The following is an entry in ClinVar:

NM_004589.4(SCO1):c.445C>T (p.Arg149Cys)

Gene: SCO1 (synthesis of cytochrome C oxidase 1; minus strand). Cytogenetic location: 17p13.1.
Variant type: single nucleotide variant.
Coding change: c.445C>T on transcript NM_004589.4 (MANE Select); coding-DNA position 445, C replaced by T.
Protein change: p.Arg149Cys; replaces arginine 149 with cysteine.
Molecular consequence: missense variant.
Genome position (GRCh38, 1-based): chr17:10,692,881, G>A on the plus strand (C>T on the coding strand, the complement: SCO1 is on the minus strand). VCF-style: chr17-10692881-G-A. GRCh37 (hg19) VCF-style: chr17-10596198-G-A.
Other names: c.445C>T (NM_004589.2); short protein forms R149C.
Identifiers: ClinVar variation 1470988 (VCV001470988.8), dbSNP rs762548598, ClinGen allele CA8393595.

ClinVar aggregate classification (germline): Uncertain significance. Review status: criteria provided, multiple submitters, no conflicts (2 of 4 stars). 3 submissions from 3 submitters: Uncertain significance (3). Last evaluated 2025-05-11.

Conditions:
Inborn genetic diseases. Identifiers: MedGen C0950123, MeSH D030342.
Mitochondrial complex IV deficiency, nuclear type 4. Also called: Mitochondrial complex 4 deficiency, nuclear type 4. Identifiers: MedGen C5436683, MONDO:0033636, OMIM 619048.

Allele frequency attached by ClinVar (database versions not stated): ExAC 0.00001; gnomAD 0.00001; gnomAD exomes 0.00001 and 0.00002; TOPMed 0.00001.

Submissions (3):

Ambry Genetics
Classification: Uncertain significance for Inborn genetic diseases. Last evaluated: 2025-05-11. Review status: criteria provided, single submitter. Criteria: Ambry Variant Classification Scheme 2023. Collection method: clinical testing. Allele origin: germline.

Labcorp Genetics (formerly Invitae), Labcorp
Classification: Uncertain significance. Last evaluated: 2023-12-06. Review status: criteria provided, single submitter. Criteria: Invitae Variant Classification Sherloc (09022015). Collection method: clinical testing. Allele origin: germline.
Comment: This sequence change replaces arginine, which is basic and polar, with cysteine, which is neutral and slightly polar, at codon 149 of the SCO1 protein (p.Arg149Cys). This variant is present in population databases (rs762548598, gnomAD 0.02%). This variant has not been reported in the literature in individuals affected with SCO1-related conditions. ClinVar contains an entry for this variant (Variation ID: 1470988). Advanced modeling of protein sequence and biophysical properties (such as structural, functional, and spatial information, amino acid conservation, physicochemical variation, residue mobility, and thermodynamic stability) performed at Invitae indicates that this missense variant is not expected to disrupt SCO1 protein function with a negative predictive value of 80%. In summary, the available evidence is currently insufficient to determine the role of this variant in disease. Therefore, it has been classified as a Variant of Uncertain Significance.

Fulgent Genetics
Classification: Uncertain significance for Mitochondrial complex IV deficiency, nuclear type 4. Last evaluated: 2022-04-08. Review status: criteria provided, single submitter. Criteria: ACMG Guidelines, 2015. Collection method: clinical testing. Allele origin: unknown.